The following is an entry in ClinVar:

NM_006514.4(SCN10A):c.4138C>T (p.Arg1380Trp)

Gene: SCN10A (sodium voltage-gated channel alpha subunit 10; minus strand). Cytogenetic location: 3p22.2.
Variant type: single nucleotide variant.
Coding change: c.4138C>T on transcript NM_006514.4 (MANE Select); coding-DNA position 4138, C replaced by T.
Protein change: p.Arg1380Trp; replaces arginine 1380 with tryptophan.
Molecular consequence: missense variant.
Genome position (GRCh38, 1-based): chr3:38,710,849, G>A on the plus strand (C>T on the coding strand, the complement: SCN10A is on the minus strand). VCF-style: chr3-38710849-G-A. GRCh37 (hg19) VCF-style: chr3-38752340-G-A.
Other names: c.4135C>T, p.Arg1379Trp (NM_001293306.2); c.3844C>T, p.Arg1282Trp (NM_001293307.2); short protein forms R1282W, R1380W, R1379W.
Identifiers: ClinVar variation 1037757 (VCV001037757.5), dbSNP rs371600996, ClinGen allele CA2320009.

ClinVar aggregate classification (germline): Conflicting classifications of pathogenicity. Review status: criteria provided, conflicting classifications (1 of 4 stars). 2 submissions from 2 submitters: Uncertain significance (1); Likely benign (1). Last evaluated 2025-07-03.

Conditions:
Cardiovascular phenotype. Identifiers: MedGen CN230736.
Brugada syndrome. Also called: Sudden Unexplained Death Syndrome; Sudden Unexplained Nocturnal Death Syndrome (SUNDS); Sudden unexplained nocturnal death syndrome; Sudden unexpected nocturnal death syndrome. Identifiers: Orphanet 130, MedGen C1142166, MONDO:0015263.

Allele frequency attached by ClinVar (database versions not stated): gnomAD 0.00001; gnomAD exomes 0.00001 and 0.00003; ExAC 0.00003; TOPMed 0.00005; ESP Exome Variant Server 0.00008.
gnomAD v4.1: 19 of 1,613,296 alleles (0.0012%); highest among the groups gnomAD compares: Middle Eastern, 0.049%; no homozygotes.

Submissions (2):

Labcorp Genetics (formerly Invitae), Labcorp
Classification: Uncertain significance for Brugada syndrome. Last evaluated: 2025-07-03. Review status: criteria provided, single submitter. Criteria: Invitae Variant Classification Sherloc (09022015). Collection method: clinical testing. Allele origin: germline.
Comment: This sequence change replaces arginine, which is basic and polar, with tryptophan, which is neutral and slightly polar, at codon 1380 of the SCN10A protein (p.Arg1380Trp). This variant is present in population databases (rs371600996, gnomAD 0.02%). This variant has not been reported in the literature in individuals affected with SCN10A-related conditions. ClinVar contains an entry for this variant (Variation ID: 1037757). Invitae Evidence Modeling of protein sequence and biophysical properties (such as structural, functional, and spatial information, amino acid conservation, physicochemical variation, residue mobility, and thermodynamic stability) indicates that this missense variant is not expected to disrupt SCN10A protein function with a negative predictive value of 80%. In summary, the available evidence is currently insufficient to determine the role of this variant in disease. Therefore, it has been classified as a Variant of Uncertain Significance.

Ambry Genetics
Classification: Likely benign for Cardiovascular phenotype. Last evaluated: 2021-02-05. Review status: criteria provided, single submitter. Criteria: Ambry Variant Classification Scheme 2023. Collection method: clinical testing. Allele origin: germline.